The following is an entry in ClinVar:

NM_006979.3(SLC39A7):c.1291G>A (p.Ala431Thr)

Gene: SLC39A7 (solute carrier family 39 member 7; plus strand). Cytogenetic location: 6p21.32.
Variant type: single nucleotide variant.
Coding change: c.1291G>A on transcript NM_006979.3 (MANE Select); coding-DNA position 1291, G replaced by A.
Protein change: p.Ala431Thr; replaces alanine 431 with threonine.
Molecular consequence: missense variant.
Genome position (GRCh38, 1-based): chr6:33,203,694, G>A. VCF-style: chr6-33203694-G-A. GRCh37 (hg19) VCF-style: chr6-33171471-G-A.
Other names: c.1291G>A, p.Ala431Thr (NM_001077516.2); c.916G>A, p.Ala306Thr (NM_001288777.2); short protein forms A431T, A306T.
Identifiers: ClinVar variation 2584820 (VCV002584820.1), dbSNP rs2535795194, ClinGen allele CA363650933.

ClinVar aggregate classification (germline): Uncertain significance (1 of 4 stars; one submission).

Conditions:
Agammaglobulinemia 9, autosomal recessive (AGM9). Also called: AGAMMAGLOBULINEMIA, AUTOSOMAL RECESSIVE, DUE TO SLC39A7 DEFECT. Identifiers: Orphanet 693627, MedGen C5562059, MONDO:0030519, OMIM 619693.

Submission:

Neuberg Centre For Genomic Medicine, NCGM
Classification: Uncertain significance for Agammaglobulinemia 9, autosomal recessive. Review status: criteria provided, single submitter. Criteria: ACMG Guidelines, 2015. Collection method: clinical testing. Allele origin: germline. Inheritance: Autosomal recessive inheritance. Affected: yes.
Comment: The missense variant in c.1291G>A in SLC39A7 gene has not been reported previously as a pathogenic variant nor as a benign variant, to our knowledge. The p.Ala431Thr variant is novel (not in any individuals) in gnomAD Exomes and 1000 Genomes. This variant has not been reported to the ClinVar database. The amino acid Ala at position 431 is changed to a Thr changing protein sequence and it might alter its composition and physico-chemical properties. For these reasons, this variant has been classified as Uncertain Significance (VUS).